The following is an entry in ClinVar:

NM_001846.4(COL4A2):c.4468T>C (p.Tyr1490His)

Genes: COL4A2 (collagen type IV alpha 2 chain; plus strand), COL4A2-AS1 (COL4A2 antisense RNA 1; minus strand). Cytogenetic location: 13q34.
Variant type: single nucleotide variant.
Coding change: c.4468T>C on transcript NM_001846.4 (MANE Select); coding-DNA position 4468, T replaced by C.
Protein change: p.Tyr1490His; replaces tyrosine 1490 with histidine.
Molecular consequence: missense variant.
Genome position (GRCh38, 1-based): chr13:110,506,480, T>C. VCF-style: chr13-110506480-T-C. GRCh37 (hg19) VCF-style: chr13-111158827-T-C.
Other names: short protein forms Y1490H.
Identifiers: ClinVar variation 2196968 (VCV002196968.6), dbSNP rs781007619, ClinGen allele CA7050555.
Genomic context (GRCh38, chr13:110,506,480, plus strand): 5'-CCAGGCCGTCCAGGGAGCCCGGGCCTGCCGGGTATGCCAGGCCGCAGCGTCAGCATCGGC[T>C]ACCTCCTGGTGAAGCACAGCCAGACGGACCAGGAGCCCATGTGCCCAGTGGGCATGAACA-3'
Protein context (NP_001837.2, residues 1480-1500): GMPGRSVSIG[Tyr1490His]LLVKHSQTDQ

ClinVar aggregate classification (germline): Uncertain significance. Review status: criteria provided, multiple submitters, no conflicts (2 of 4 stars). 2 submissions from 2 submitters: Uncertain significance (2). Last evaluated 2026-04-03.

Allele frequency attached by ClinVar (database versions not stated): gnomAD 0.00003; TOPMed 0.00004; gnomAD exomes 0.00002; ExAC 0.00003.
gnomAD v4.1: 39 of 1,612,488 alleles (0.0024%); highest among the groups gnomAD compares: Non-Finnish European, 0.0032%; no homozygotes.

Submissions (2):

Dasa
Classification: Uncertain significance. Last evaluated: 2026-04-03. Review status: criteria provided, single submitter. Criteria: DASA Assertion Criteria. Collection method: clinical testing. Allele origin: germline.
Comment: NM_001846.4(COL4A2):c.4468T>C (p.Tyr1490His) is a missense variant that results in the substitution of tyrosine with histidine. This variant is rare in population databases. Computational prediction algorithms are consistent with a deleterious effect. The currently available literature and clinical evidence are not sufficient to establish a definitive association between this variant and the reported condition. Therefore, this variant is classified as a variant of uncertain significance.

Labcorp Genetics (formerly Invitae), Labcorp
Classification: Uncertain significance. Last evaluated: 2023-10-05. Review status: criteria provided, single submitter. Criteria: Invitae Variant Classification Sherloc (09022015). Collection method: clinical testing. Allele origin: germline.
Comment: This sequence change replaces tyrosine, which is neutral and polar, with histidine, which is basic and polar, at codon 1490 of the COL4A2 protein (p.Tyr1490His). This variant is present in population databases (rs781007619, gnomAD 0.006%). This variant has not been reported in the literature in individuals affected with COL4A2-related conditions. ClinVar contains an entry for this variant (Variation ID: 2196968). Advanced modeling of protein sequence and biophysical properties (such as structural, functional, and spatial information, amino acid conservation, physicochemical variation, residue mobility, and thermodynamic stability) performed at Invitae indicates that this missense variant is not expected to disrupt COL4A2 protein function. In summary, the available evidence is currently insufficient to determine the role of this variant in disease. Therefore, it has been classified as a Variant of Uncertain Significance.